The following is an entry in ClinVar:

NM_007269.4(STXBP3):c.1029+2T>G

Gene: STXBP3 (syntaxin binding protein 3; plus strand). Cytogenetic location: 1p13.3.
Variant type: single nucleotide variant.
Coding change: c.1029+2T>G on transcript NM_007269.4 (MANE Select); the canonical splice donor site of the intron after coding-DNA position 1029, T replaced by G.
Molecular consequence: splice donor variant.
Genome position (GRCh38, 1-based): chr1:108,793,649, T>G. VCF-style: chr1-108793649-T-G. GRCh37 (hg19) VCF-style: chr1-109336271-T-G.
Identifiers: ClinVar variation 1879089 (VCV001879089.29), dbSNP rs2524537325, ClinGen allele CA341450109.
Genomic context (GRCh38, chr1:108,793,649, plus strand): 5'-TTAGTGCTCTTACCCAGCTGATGAAAAAGATGCCCCATTTCCGAAAACAGATTACTAAGG[T>G]AAGCAGTATTGTATATGAGATACCTGATTAGTTTTAGTTTATATTCAGTTTATATTCAGT-3'

ClinVar aggregate classification (germline): Likely pathogenic (1 of 4 stars; one submission).

Submission:

CeGaT Center for Human Genetics Tuebingen
Classification: Likely pathogenic. Last evaluated: 2022-10-01. Review status: criteria provided, single submitter. Criteria: CeGaT Center For Human Genetics Tuebingen Variant Classification Criteria Version 2. Collection method: clinical testing. Allele origin: germline. Affected: yes. Observed: 1 variant allele.
Comment: STXBP3: PM2, PS2:Moderate, PVS1:Moderate